The following is an entry in ClinVar:

NM_014218.3(KIR2DL1):c.144G>A (p.Gln48=)

Gene: KIR2DL1 (killer cell immunoglobulin like receptor, two Ig domains and long cytoplasmic tail 1). Cytogenetic location: 19q13.42.
Variant type: single nucleotide variant.
Coding change: c.144G>A on transcript NM_014218.3 (MANE Select); coding-DNA position 144, G replaced by A.
Protein change: p.Gln48=; no amino-acid change (glutamine 48 retained).
Molecular consequence: synonymous variant.
Genome position (GRCh38, 1-based): chr19:54,773,406, G>A. VCF-style: chr19-54773406-G-A. GRCh37 (hg19) VCF-style: chr19-55284858-G-A.
Identifiers: ClinVar variation 3059752 (VCV003059752.2), dbSNP rs687000, ClinGen allele CA309884365.

ClinVar aggregate classification (germline): Likely benign (0 of 4 stars; one submission).

Conditions:
KIR2DL1-related disorder. Also called: KIR2DL1-related condition.

Allele frequency attached by ClinVar (database versions not stated): ExAC 0.07735; 1000 Genomes Project 30x 0.49453; gnomAD 0.56154; gnomAD exomes 0.60410.
gnomAD v4.1: 914,622 of 1,525,504 alleles (60%); highest among the groups gnomAD compares: Middle Eastern, 65%; 271,769 homozygotes.

Submission:

PreventionGenetics, part of Exact Sciences
Classification: Likely benign for KIR2DL1-related condition. Last evaluated: 2021-04-14. Review status: no assertion criteria provided. Collection method: clinical testing. Allele origin: germline.
Comment: This variant is classified as likely benign based on ACMG/AMP sequence variant interpretation guidelines (Richards et al. 2015 PMID: 25741868, with internal and published modifications).